The following is an entry in ClinVar:

NM_000512.5(GALNS):c.1166C>T (p.Thr389Met)

Gene: GALNS (galactosamine (N-acetyl)-6-sulfatase; minus strand). Cytogenetic location: 16q24.3.
Variant type: single nucleotide variant.
Coding change: c.1166C>T on transcript NM_000512.5 (MANE Select); coding-DNA position 1166, C replaced by T.
Protein change: p.Thr389Met; replaces threonine 389 with methionine.
Molecular consequence: missense variant.
Genome position (GRCh38, 1-based): chr16:88,824,843, G>A on the plus strand (C>T on the coding strand, the complement: GALNS is on the minus strand). VCF-style: chr16-88824843-G-A. GRCh37 (hg19) VCF-style: chr16-88891251-G-A.
Other names: c.611C>T, p.Thr204Met (NM_001323543.2); c.1184C>T, p.Thr395Met (NM_001323544.2); short protein forms T204M, T389M, T395M.
Identifiers: ClinVar variation 1968959 (VCV001968959.3), dbSNP rs764907627, ClinGen allele CA8234783.

ClinVar aggregate classification (germline): Uncertain significance (1 of 4 stars; one submission).

Conditions:
Mucopolysaccharidosis, MPS-IV-A (MPS4A). Also called: Morquio syndrome A, mild; MORQUIO SYNDROME A; GALACTOSAMINE-6-SULFATASE DEFICIENCY; GALNS DEFICIENCY; MORQUIO A DISEASE; Mucopolysaccharidosis type IV A. Identifiers: Orphanet 309297, Orphanet 582, MedGen C0086651, MONDO:0009659, OMIM 253000.

Allele frequency attached by ClinVar (database versions not stated): ExAC 0.00001.
gnomAD v4.1: 9 of 1,613,396 alleles (0.00056%); highest among the groups gnomAD compares: East Asian, 0.0022%; no homozygotes.

Submission:

Labcorp Genetics (formerly Invitae), Labcorp
Classification: Uncertain significance for Mucopolysaccharidosis, MPS-IV-A. Last evaluated: 2025-09-11. Review status: criteria provided, single submitter. Criteria: Invitae Variant Classification Sherloc (09022015). Collection method: clinical testing. Allele origin: germline.
Comment: This sequence change replaces threonine, which is neutral and polar, with methionine, which is neutral and non-polar, at codon 389 of the GALNS protein (p.Thr389Met). This variant is present in population databases (rs764907627, gnomAD 0.006%). This variant has not been reported in the literature in individuals affected with GALNS-related conditions. ClinVar contains an entry for this variant (Variation ID: 1968959). Invitae Evidence Modeling of protein sequence and biophysical properties (such as structural, functional, and spatial information, amino acid conservation, physicochemical variation, residue mobility, and thermodynamic stability) has been performed for this missense variant. However, the output from this modeling did not meet the statistical confidence thresholds required to predict the impact of this variant on GALNS protein function. In summary, the available evidence is currently insufficient to determine the role of this variant in disease. Therefore, it has been classified as a Variant of Uncertain Significance.